The following is an entry in ClinVar:

NM_004168.4(SDHA):c.1039A>C (p.Met347Leu)

Gene: SDHA (succinate dehydrogenase complex flavoprotein subunit A; plus strand). Cytogenetic location: 5p15.33.
Variant type: single nucleotide variant.
Coding change: c.1039A>C on transcript NM_004168.4 (MANE Select); coding-DNA position 1039, A replaced by C.
Protein change: p.Met347Leu; replaces methionine 347 with leucine.
Molecular consequence: missense variant.
Genome position (GRCh38, 1-based): chr5:233,620, A>C. VCF-style: chr5-233620-A-C. GRCh37 (hg19) VCF-style: chr5-233735-A-C.
Other names: c.1039A>C (NM_004168.2); c.895A>C, p.Met299Leu (NM_001294332.2); c.1039A>C, p.Met347Leu (NM_001330758.2); short protein forms M299L, M347L.
Identifiers: ClinVar variation 2943858 (VCV002943858.4), dbSNP rs1245387180, ClinGen allele CA359012943.

ClinVar aggregate classification (germline): Uncertain significance. Review status: criteria provided, multiple submitters, no conflicts (2 of 4 stars). 2 submissions from 2 submitters: Uncertain significance (2). Last evaluated 2024-12-04.

Conditions:
Mitochondrial complex II deficiency, nuclear type 1. Also called: SUCCINATE CoQ REDUCTASE DEFICIENCY. Identifiers: Orphanet 3208, MedGen C5700310, MONDO:0100294, OMIM 252011.
Pheochromocytoma/paraganglioma syndrome 5. Also called: Paragangliomas 5; SDHA-Related Hereditary Paraganglioma-Pheochromocytoma Syndrome. Identifiers: Orphanet 29072, MedGen C3279992, MONDO:0013602, OMIM 614165.

Submissions (2):

GeneDx
Classification: Uncertain significance. Last evaluated: 2024-12-04. Review status: criteria provided, single submitter. Criteria: GeneDx Variant Classification Process June 2021. Collection method: clinical testing. Allele origin: germline. Affected: yes.
Comment: Not observed at significant frequency in large population cohorts (gnomAD); In silico analysis indicates that this missense variant does not alter protein structure/function; Has not been previously published as pathogenic or benign to our knowledge

Labcorp Genetics (formerly Invitae), Labcorp
Classification: Uncertain significance for Pheochromocytoma/paraganglioma syndrome 5; Mitochondrial complex II deficiency, nuclear type 1. Last evaluated: 2024-10-28. Review status: criteria provided, single submitter. Criteria: Invitae Variant Classification Sherloc (09022015). Collection method: clinical testing. Allele origin: germline.
Comment: This sequence change replaces methionine, which is neutral and non-polar, with leucine, which is neutral and non-polar, at codon 347 of the SDHA protein (p.Met347Leu). This variant is not present in population databases (gnomAD no frequency). This variant has not been reported in the literature in individuals affected with SDHA-related conditions. Invitae Evidence Modeling of protein sequence and biophysical properties (such as structural, functional, and spatial information, amino acid conservation, physicochemical variation, residue mobility, and thermodynamic stability) indicates that this missense variant is not expected to disrupt SDHA protein function with a negative predictive value of 95%. In summary, the available evidence is currently insufficient to determine the role of this variant in disease. Therefore, it has been classified as a Variant of Uncertain Significance.